The following is an entry in ClinVar:

ClinVar aggregate classification (germline): Uncertain significance. Review status: criteria provided, multiple submitters, no conflicts (2 of 4 stars). 2 submissions from 2 submitters: Uncertain significance (2). Last evaluated 2025-01-23.

Allele frequency attached by ClinVar (database versions not stated): gnomAD exomes below 0.00001; gnomAD 0.00001; TOPMed 0.00001.

Submissions (2):

Ambry Genetics
Classification: Uncertain significance. Last evaluated: 2025-01-23. Review status: criteria provided, single submitter. Criteria: Ambry Variant Classification Scheme 2023. Collection method: clinical testing. Allele origin: germline.

Labcorp Genetics (formerly Invitae), Labcorp
Classification: Uncertain significance. Last evaluated: 2022-02-18. Review status: criteria provided, single submitter. Criteria: Invitae Variant Classification Sherloc (09022015). Collection method: clinical testing. Allele origin: germline.
Comment: Algorithms developed to predict the effect of missense changes on protein structure and function (SIFT, PolyPhen-2, Align-GVGD) all suggest that this variant is likely to be tolerated. In summary, the available evidence is currently insufficient to determine the role of this variant in disease. Therefore, it has been classified as a Variant of Uncertain Significance. This variant has not been reported in the literature in individuals affected with HMCN1-related conditions. This variant is not present in population databases (gnomAD no frequency). This sequence change replaces tyrosine, which is neutral and polar, with cysteine, which is neutral and slightly polar, at codon 5367 of the HMCN1 protein (p.Tyr5367Cys).

NM_031935.3(HMCN1):c.16100A>G (p.Tyr5367Cys)

Gene: HMCN1 (hemicentin 1; plus strand). Cytogenetic location: 1q31.1.
Variant type: single nucleotide variant.
Coding change: c.16100A>G on transcript NM_031935.3 (MANE Select); coding-DNA position 16100, A replaced by G.
Protein change: p.Tyr5367Cys; replaces tyrosine 5367 with cysteine.
Molecular consequence: missense variant.
Genome position (GRCh38, 1-based): chr1:186,178,572, A>G. VCF-style: chr1-186178572-A-G. GRCh37 (hg19) VCF-style: chr1-186147704-A-G.
Other names: c.16100A>G (NM_031935.2); short protein forms Y5367C.
Identifiers: ClinVar variation 1938810 (VCV001938810.6), dbSNP rs538747084, ClinGen allele CA33507487.